The following is an entry in ClinVar:

NM_017780.4(CHD7):c.2341G>A (p.Asp781Asn)

Gene: CHD7 (chromodomain helicase DNA binding protein 7; plus strand). Cytogenetic location: 8q12.2.
Variant type: single nucleotide variant.
Coding change: c.2341G>A on transcript NM_017780.4 (MANE Select); coding-DNA position 2341, G replaced by A.
Protein change: p.Asp781Asn; replaces aspartic acid 781 with asparagine.
Molecular consequence: missense variant. On other transcripts: intron variant (1).
Genome position (GRCh38, 1-based): chr8:60,800,490, G>A. VCF-style: chr8-60800490-G-A. GRCh37 (hg19) VCF-style: chr8-61713049-G-A.
Other names: c.1716+19440G>A (NM_001316690.1); short protein forms D781N.
Identifiers: ClinVar variation 3234351 (VCV003234351.20), dbSNP rs2487673502, ClinGen allele CA371300645.

ClinVar aggregate classification (germline): Uncertain significance (1 of 4 stars; one submission).

Submission:

CeGaT Center for Human Genetics Tuebingen
Classification: Uncertain significance. Last evaluated: 2024-04-01. Review status: criteria provided, single submitter. Criteria: CeGaT Center For Human Genetics Tuebingen Variant Classification Criteria Version 2. Collection method: clinical testing. Allele origin: germline. Affected: yes. Observed: 1 variant allele.
Comment: CHD7: PM2